The following is an entry in ClinVar:

ClinVar aggregate classification (germline): Benign/Likely benign. Review status: criteria provided, multiple submitters, no conflicts (2 of 4 stars). 5 submissions from 5 submitters: Benign (4); Likely benign (1). Last evaluated 2026-02-02.

Conditions:
Combined oxidative phosphorylation defect type 27. Also called: Combined oxidative phosphorylation deficiency 27. Identifiers: Orphanet 477774, MedGen C5567608, MONDO:0014728, OMIM 616672.

Allele frequency attached by ClinVar (database versions not stated): 1000 Genomes Project 30x 0.00468; 1000 Genomes Project 0.00519; gnomAD 0.00555 and 0.00580; TOPMed 0.00628; gnomAD exomes 0.00713 and 0.00747; ESP Exome Variant Server 0.00761; ExAC 0.00814.
gnomAD v4.1: 11,370 of 1,610,366 alleles (0.71%); highest among the groups gnomAD compares: Middle Eastern, 1.5%; 69 homozygotes.

Submissions (5):

Labcorp Genetics (formerly Invitae), Labcorp
Classification: Benign for Combined oxidative phosphorylation defect type 27. Last evaluated: 2026-02-02. Review status: criteria provided, single submitter. Criteria: Invitae Variant Classification Sherloc (09022015). Collection method: clinical testing. Allele origin: germline.

Genomic Medicine Center of Excellence, King Faisal Specialist Hospital and Research Centre
Classification: Likely benign. Last evaluated: 2025-08-18. Review status: criteria provided, single submitter. Criteria: ACMG Guidelines, 2015. Collection method: clinical testing. Allele origin: germline.

Mayo Clinic Laboratories, Mayo Clinic
Classification: Benign. Last evaluated: 2023-02-22. Review status: criteria provided, single submitter. Criteria: ACMG Guidelines, 2015. Collection method: clinical testing. Allele origin: germline. Observed: 4 variant alleles.
Comment: BA1

GeneDx
Classification: Benign. Last evaluated: 2016-02-11. Review status: criteria provided, single submitter. Criteria: GeneDx Variant Classification (06012015). Collection method: clinical testing. Allele origin: germline. Affected: yes.
Comment: This variant is considered likely benign or benign based on one or more of the following criteria: it is a conservative change, it occurs at a poorly conserved position in the protein, it is predicted to be benign by multiple in silico algorithms, and/or has population frequency not consistent with disease.

Breakthrough Genomics
Classification: Benign. Review status: criteria provided, single submitter. Criteria: ACMG Guidelines, 2015. Collection method: not provided. Allele origin: germline. Inheritance: Autosomal recessive inheritance. Affected: yes.

NM_024537.4(CARS2):c.1317+10C>T

Gene: CARS2 (cysteinyl-tRNA synthetase 2, mitochondrial; minus strand). Cytogenetic location: 13q34.
Variant type: single nucleotide variant.
Coding change: c.1317+10C>T on transcript NM_024537.4 (MANE Select); 10 bases into the intron after coding-DNA position 1317, C replaced by T.
Molecular consequence: intron variant.
Genome position (GRCh38, 1-based): chr13:110,645,957, G>A on the plus strand (C>T on the coding strand, the complement: CARS2 is on the minus strand). VCF-style: chr13-110645957-G-A. GRCh37 (hg19) VCF-style: chr13-111298304-G-A.
Other names: p.?; c.531+10C>T (NM_001352252.2).
Identifiers: ClinVar variation 382608 (VCV000382608.15), dbSNP rs141996297, ClinGen allele CA7051842.